The following is an entry in ClinVar:

ClinVar aggregate classification (germline): Benign. Review status: criteria provided, multiple submitters, no conflicts (2 of 4 stars). 16 submissions from 14 submitters: Benign (14). 2 of the submissions do not count toward it. Last evaluated 2026-02-04.

Conditions:
Episodic ataxia, type 9. Identifiers: MedGen C5394520, MONDO:0030064, OMIM 618924.
Inborn genetic diseases. Identifiers: MedGen C0950123, MeSH D030342.
Developmental and epileptic encephalopathy, 11 (DEE11). Also called: Early infantile epileptic encephalopathy 11. Identifiers: Orphanet 1934, MedGen C3150987, MONDO:0013388, OMIM 613721.
Seizures, benign familial infantile, 3 (BFIS3). Also called: Familial neonatal seizures; CONVULSIONS, BENIGN FAMILIAL INFANTILE, 3. Identifiers: Orphanet 140927, Orphanet 306, MedGen C1843140, MONDO:0011904, OMIM 607745.

Allele frequency attached by ClinVar (database versions not stated): 1000 Genomes Project 0.77236; 1000 Genomes Project 30x 0.77764; ExAC 0.80164; gnomAD exomes 0.80210 and 0.82481; gnomAD 0.81610 and 0.82016; TOPMed 0.82014; ESP Exome Variant Server 0.82869.
gnomAD v4.1: 1,327,838 of 1,612,776 alleles (82%); highest among the groups gnomAD compares: Non-Finnish European, 84%; 548,643 homozygotes.

Submissions (16):

Labcorp Genetics (formerly Invitae), Labcorp
Classification: Benign for Seizures, benign familial infantile, 3; Developmental and epileptic encephalopathy, 11. Last evaluated: 2026-02-04. Review status: criteria provided, single submitter. Criteria: Invitae Variant Classification Sherloc (09022015). Collection method: clinical testing. Allele origin: germline.

Blueprint Genetics
Classification: Benign. Last evaluated: 2024-11-26. Review status: criteria provided, single submitter. Criteria: ACMG Guidelines, 2015. Collection method: clinical testing. Allele origin: germline.

Unidad de Genómica Garrahan, Hospital de Pediatría Garrahan
Classification: Benign. Last evaluated: 2024-07-15. Review status: criteria provided, single submitter. Criteria: ACMG Guidelines, 2015. Collection method: clinical testing. Allele origin: germline. Affected: no. Observed: 89 variant alleles.
Comment: This variant is classified as Benign based on local population frequency. This variant was detected in 96% of patients studied in a panel designed for Epileptic and Developmental Encephalopathy and Progressive Myoclonus Epilepsy. Number of patients: 89. Only high quality variants are reported.

Mayo Clinic Laboratories, Mayo Clinic
Classification: Benign. Last evaluated: 2022-03-24. Review status: criteria provided, single submitter. Criteria: ACMG Guidelines, 2015. Collection method: clinical testing. Allele origin: germline. Observed: 1,286 variant alleles.

Genome-Nilou Lab
Classification: Benign for Developmental and epileptic encephalopathy, 11. Last evaluated: 2021-07-15. Review status: criteria provided, single submitter. Criteria: ACMG Guidelines, 2015. Collection method: clinical testing. Allele origin: germline. Affected: no.

Genome-Nilou Lab
Classification: Benign for Episodic ataxia, type 9. Last evaluated: 2021-07-15. Review status: criteria provided, single submitter. Criteria: ACMG Guidelines, 2015. Collection method: clinical testing. Allele origin: germline. Affected: no.

Genome-Nilou Lab
Classification: Benign for Seizures, benign familial infantile, 3. Last evaluated: 2021-07-15. Review status: criteria provided, single submitter. Criteria: ACMG Guidelines, 2015. Collection method: clinical testing. Allele origin: germline. Affected: no.

Athena Diagnostics
Classification: Benign. Last evaluated: 2018-05-06. Review status: criteria provided, single submitter. Criteria: Athena Diagnostics Criteria. Collection method: clinical testing. Allele origin: germline.

Illumina Laboratory Services, Illumina
Classification: Benign for Seizures, benign familial infantile, 3. Last evaluated: 2018-01-12. Review status: criteria provided, single submitter. Criteria: ICSL Variant Classification Criteria 13 December 2019. Collection method: clinical testing. Allele origin: germline.
Comment: This variant was observed in the ICSL laboratory as part of a predisposition screen in an ostensibly healthy population. It had not been previously curated by ICSL or reported in the Human Gene Mutation Database (HGMD: prior to June 1st, 2018), and was therefore a candidate for classification through an automated scoring system. Utilizing variant allele frequency, disease prevalence and penetrance estimates, and inheritance mode, an automated score was calculated to assess if this variant is too frequent to cause the disease. Based on the score and internal cut-off values, a variant classified as benign is not then subjected to further curation. The score for this variant resulted in a classification of benign for this disease.

Ambry Genetics
Classification: Benign for Inborn genetic diseases. Last evaluated: 2015-12-31. Review status: criteria provided, single submitter. Criteria: Ambry Variant Classification Scheme 2023. Collection method: clinical testing. Allele origin: germline.

GeneDx
Classification: Benign. Last evaluated: 2015-03-03. Review status: criteria provided, single submitter. Criteria: GeneDx Variant Classification Process June 2021. Collection method: clinical testing. Allele origin: germline. Affected: yes.

Genetic Services Laboratory, University of Chicago
Classification: Benign for AllHighlyPenetrant. Last evaluated: 2013-04-25. Review status: criteria provided, single submitter. Criteria: ACMG Guidelines, 2007. Collection method: clinical testing. Allele origin: germline. Inheritance: Autosomal dominant inheritance.

Breakthrough Genomics
Classification: Benign. Review status: criteria provided, single submitter. Criteria: ACMG Guidelines, 2015. Collection method: not provided. Allele origin: germline. Inheritance: Autosomal dominant inheritance. Affected: yes.

PreventionGenetics, part of Exact Sciences
Classification: Benign. Review status: criteria provided, single submitter. Criteria: ACMG Guidelines, 2015. Collection method: clinical testing. Allele origin: germline.

Diagnostic Laboratory, Department of Genetics, University Medical Center Groningen
Classification: Benign. Review status: no assertion criteria provided. Collection method: clinical testing. Allele origin: germline. Affected: yes. Study: VKGL Data-share Consensus. Not counted in ClinVar's aggregate classification.

Genome Diagnostics Laboratory, University Medical Center Utrecht
Classification: Benign. Review status: no assertion criteria provided. Collection method: clinical testing. Allele origin: germline. Affected: yes. Study: VKGL Data-share Consensus. Not counted in ClinVar's aggregate classification.

NM_001040142.2(SCN2A):c.1035-3T>C

Gene: SCN2A (sodium voltage-gated channel alpha subunit 2; plus strand). Cytogenetic location: 2q24.3.
Variant type: single nucleotide variant.
Coding change: c.1035-3T>C on transcript NM_001040142.2 (MANE Select); 3 bases into the intron before coding-DNA position 1035, T replaced by C.
Molecular consequence: intron variant.
Genome position (GRCh38, 1-based): chr2:165,313,617, T>C. VCF-style: chr2-165313617-T-C. GRCh37 (hg19) VCF-style: chr2-166170127-T-C.
Other names: p.?; c.1035-3T>C (NM_001040143.2, NM_001371246.1, NM_001371247.1 and 1 more transcripts).
Identifiers: ClinVar variation 130216 (VCV000130216.37), dbSNP rs2121371, ClinGen allele CA155057.
Genomic context (GRCh38, chr2:165,313,617, plus strand): 5'-AGGAAAACCAATTAGCAGACTTGCCGTTATTGACTTCCTTTCTTTCCTCTAACCTAATTA[T>C]AGCCAGTGTCCTGAAGGATACATCTGTGTGAAGGCTGGTAGAAACCCCAACTATGGCTAC-3'